The following is an entry in ClinVar:

NM_024312.5(GNPTAB):c.1906dup (p.Arg636fs)

Gene: GNPTAB (N-acetylglucosamine-1-phosphate transferase subunits alpha and beta; minus strand). Cytogenetic location: 12q23.2.
Variant type: Duplication.
Coding change: c.1906dup on transcript NM_024312.5 (MANE Select); coding-DNA position 1906, one base duplicated (A; older notation c.1906dupA).
Protein change: p.Arg636fs; shifts the reading frame from arginine 636.
Molecular consequence: frameshift variant.
Genome position (GRCh38, 1-based): chr12:101,765,011, T duplicated on the plus strand (A on the coding strand, the reverse complement: GNPTAB is on the minus strand); the first of 2 consecutive T bases (chr12:101,765,011-101,765,012); duplicating either gives the same sequence. VCF-style (leftmost placement, unchanged base first): chr12-101765010-C-CT. GRCh37 (hg19) VCF-style: chr12-102158788-C-CT.
Other names: c.1906dupA (NM_024312.5); short protein forms R636fs.
Identifiers: ClinVar variation 194265 (VCV000194265.19), dbSNP rs747789493, ClinGen allele CA274993.

ClinVar aggregate classification (germline): Pathogenic/Likely pathogenic. Review status: criteria provided, multiple submitters, no conflicts (2 of 4 stars). 8 submissions from 8 submitters: Pathogenic (4); Likely pathogenic (3). 1 of the submissions does not count toward it. Last evaluated 2026-04-16.

Conditions:
Mucolipidosis type II. Also called: Mucolipidosis II Alpha/Beta; Mucolipidosis 2; ML 2; Inclusion cell disease; Leroy Disease; N-acetylglucosamine 1phosphotransferase deficiency. Identifiers: Orphanet 576, MedGen C2673377, MONDO:0009650, OMIM 252500.
Pseudo-Hurler polydystrophy. Also called: Mucolipidosis III Alpha/Beta; Type III Mucolipidosis; ML IIIA; ML III; ML III ALPHA/BETA; MUCOLIPIDOSIS IIIA. Identifiers: Orphanet 423461, Orphanet 577, MedGen C0033788, MONDO:0018931, OMIM 252600.

Submissions (8):

Women's Health and Genetics/Laboratory Corporation of America, LabCorp
Classification: Pathogenic for Mucolipidosis type II. Last evaluated: 2026-04-16. Review status: criteria provided, single submitter. Criteria: LabCorp Variant Classification Summary - May 2015. Collection method: clinical testing. Allele origin: germline.
Comment: Variant summary: GNPTAB c.1906dupA (p.Arg636LysfsX19) results in a premature termination codon, predicted to cause a truncation of the encoded protein or absence of the protein due to nonsense mediated decay, which are commonly known mechanisms for disease. The variant allele was found at a frequency of 1.2e-05 in 251410 control chromosomes. c.1906dupA has been observed in individual(s) affected with Mucolipidosis type II (e.g. Velho_2019). To our knowledge, no experimental evidence demonstrating an impact on protein function has been reported. The following publication has been ascertained in the context of this evaluation (PMID: 30882951). ClinVar contains an entry for this variant (Variation ID: 194265). Based on the evidence outlined above, the variant was classified as pathogenic.

Labcorp Genetics (formerly Invitae), Labcorp
Classification: Pathogenic for Pseudo-Hurler polydystrophy; Mucolipidosis type II. Last evaluated: 2024-11-11. Review status: criteria provided, single submitter. Criteria: Invitae Variant Classification Sherloc (09022015). Collection method: clinical testing. Allele origin: germline.
Comment: This sequence change creates a premature translational stop signal (p.Arg636Lysfs*19) in the GNPTAB gene. It is expected to result in an absent or disrupted protein product. Loss-of-function variants in GNPTAB are known to be pathogenic (PMID: 19617216, 25107912). This variant is present in population databases (rs747789493, gnomAD 0.009%). This premature translational stop signal has been observed in individual(s) with mucolipidosis (PMID: 30882951). ClinVar contains an entry for this variant (Variation ID: 194265). For these reasons, this variant has been classified as Pathogenic.

Natera, Inc.
Classification: Likely pathogenic for Mucolipidosis type II. Last evaluated: 2024-09-06. Review status: criteria provided, single submitter. Criteria: Natera Variant Classification Schema (03/2026). Collection method: clinical testing. Allele origin: germline.
Comment: The c.1906dupA variant in GNPTAB is a frameshift variant predicted to shift the reading frame beginning at codon 636 and leads to a stop codon 19 codons downstream. This variant is expected to result in nonsense mediated decay, truncation, or a dysfunctional protein product. This variant is rare in the general population with a frequency below the threshold expected for the associated phenotype(s). Given the available evidence, this variant is classified as Likely Pathogenic.

Fulgent Genetics
Classification: Likely pathogenic for Mucolipidosis type II; Pseudo-Hurler polydystrophy. Last evaluated: 2024-06-03. Review status: criteria provided, single submitter. Criteria: ACMG Guidelines, 2015. Collection method: clinical testing. Allele origin: germline.

Revvity Omics, Revvity
Classification: Likely pathogenic. Last evaluated: 2022-06-21. Review status: criteria provided, single submitter. Criteria: ACMG Guidelines, 2015. Collection method: clinical testing. Allele origin: germline.

GeneDx
Classification: Pathogenic. Last evaluated: 2019-01-24. Review status: criteria provided, single submitter. Criteria: GeneDx Variant Classification (06012015). Collection method: clinical testing. Allele origin: germline. Affected: yes.
Comment: The c.1906dupA variant in the GNPTAB gene has not been reported previously as a pathogenic variant nor as a benign variant, to our knowledge. However, it is reported as pathogenic or likely pathogenic in ClinVar by different clinical laboratories, but additional evidence is not available (ClinVar SCV000225918.3, SCV000794078.1; Landrum et al., 2016). The c.1906dupA variant causes a frameshift starting with codon Arginine 636, changes this amino acid to a Lysine residue, and creates a premature Stop codon at position 19 of the new reading frame, denoted p.Arg636LysfsX19. This variant is predicted to cause loss of normal protein function either through protein truncation or nonsense-mediated mRNA decay. The c.1906dupA variant is not observed at a significant frequency in large population cohorts (Lek et al., 2016). We interpret c.1906dupA as a pathogenic variant.

Eurofins Ntd Llc (ga)
Classification: Pathogenic. Last evaluated: 2014-05-20. Review status: criteria provided, single submitter. Criteria: EGL Classification Definitions. Collection method: clinical testing. Allele origin: germline. Observed: 1 variant allele, 1 heterozygote.

Counsyl
Classification: Likely pathogenic for Mucolipidosis type II; Pseudo-Hurler polydystrophy. Last evaluated: 2017-09-08. Review status: no assertion criteria provided. Collection method: clinical testing. Allele origin: unknown. Not counted in ClinVar's aggregate classification.

Literature cited by the submitters: PubMed 30882951 (cited by Women's Health and Genetics/Laboratory Corporation of America, LabCorp and Labcorp Genetics (formerly Invitae), Labcorp); PubMed 19617216 (cited by Labcorp Genetics (formerly Invitae), Labcorp); PubMed 25107912 (cited by Labcorp Genetics (formerly Invitae), Labcorp).